The following is an entry in ClinVar:

ClinVar aggregate classification (germline): Uncertain significance. Review status: criteria provided, multiple submitters, no conflicts (2 of 4 stars). 2 submissions from 2 submitters: Uncertain significance (2). Last evaluated 2025-12-22.

Conditions:
Autosomal recessive severe congenital neutropenia due to G6PC3 deficiency. Also called: NEUTROPENIA, SEVERE CONGENITAL, 4, AUTOSOMAL RECESSIVE; G6PC3 Deficiency. Identifiers: Orphanet 331176, MedGen C2751630, MONDO:0012930, OMIM 612541.
Inborn genetic diseases. Identifiers: MedGen C0950123, MeSH D030342.

Submissions (2):

Ambry Genetics
Classification: Uncertain significance for Inborn genetic diseases. Last evaluated: 2025-12-22. Review status: criteria provided, single submitter. Criteria: Ambry Variant Classification Scheme 2023. Collection method: clinical testing. Allele origin: germline.
Comment: The p.A20G variant (also known as c.59C>G), located in coding exon 1 of the G6PC3 gene, results from a C to G substitution at nucleotide position 59. The alanine at codon 20 is replaced by glycine, an amino acid with similar properties. This amino acid position is conserved. In addition, this alteration is predicted to be tolerated by in silico analysis. Based on the available evidence, the clinical significance of this variant remains unclear.

Labcorp Genetics (formerly Invitae), Labcorp
Classification: Uncertain significance for Autosomal recessive severe congenital neutropenia due to G6PC3 deficiency. Last evaluated: 2025-07-28. Review status: criteria provided, single submitter. Criteria: Invitae Variant Classification Sherloc (09022015). Collection method: clinical testing. Allele origin: germline.
Comment: This sequence change replaces alanine, which is neutral and non-polar, with glycine, which is neutral and non-polar, at codon 20 of the G6PC3 protein (p.Ala20Gly). This variant is present in population databases (no rsID available, gnomAD 0.001%). This variant has not been reported in the literature in individuals affected with G6PC3-related conditions. Invitae Evidence Modeling of protein sequence and biophysical properties (such as structural, functional, and spatial information, amino acid conservation, physicochemical variation, residue mobility, and thermodynamic stability) indicates that this missense variant is not expected to disrupt G6PC3 protein function with a negative predictive value of 95%. In summary, the available evidence is currently insufficient to determine the role of this variant in disease. Therefore, it has been classified as a Variant of Uncertain Significance.

NM_138387.4(G6PC3):c.59C>G (p.Ala20Gly)

Genes: G6PC3 (glucose-6-phosphatase catalytic subunit 3; plus strand), LOC130060959 (ATAC-STARR-seq lymphoblastoid active region 12250; plus strand). Cytogenetic location: 17q21.31.
Variant type: single nucleotide variant.
Coding change: c.59C>G on transcript NM_138387.4 (MANE Select); coding-DNA position 59, C replaced by G.
Protein change: p.Ala20Gly; replaces alanine 20 with glycine.
Molecular consequence: missense variant. On other transcripts: 5 prime UTR variant (3), intron variant (1).
Genome position (GRCh38, 1-based): chr17:44,071,024, C>G. VCF-style: chr17-44071024-C-G. GRCh37 (hg19) VCF-style: chr17-42148392-C-G.
Other names: c.59C>G, p.Ala20Gly (NM_001319945.2); c.-346C>G (NM_001384165.1); c.-481C>G (NM_001384166.1); c.-471C>G (NM_001384167.1); c.-312+310C>G (NM_001384168.1); short protein forms A20G.
Identifiers: ClinVar variation 4753195 (VCV004753195.2).